The following is an entry in ClinVar:

ClinVar aggregate classification (germline): Uncertain significance (1 of 4 stars; one submission).

Conditions:
Catecholaminergic polymorphic ventricular tachycardia 1. Also called: VENTRICULAR TACHYCARDIA, CATECHOLAMINERGIC POLYMORPHIC, 1, WITH OR WITHOUT ATRIAL DYSFUNCTION AND/OR DILATED CARDIOMYOPATHY; VENTRICULAR TACHYCARDIA, STRESS-INDUCED POLYMORPHIC 1; RYR2-Related Catecholaminergic Polymorphic Ventricular Tachycardia. Identifiers: Orphanet 3286, MedGen C1631597, MONDO:0011484, OMIM 604772.

Submission:

Labcorp Genetics (formerly Invitae), Labcorp
Classification: Uncertain significance for Catecholaminergic polymorphic ventricular tachycardia 1. Last evaluated: 2019-02-20. Review status: criteria provided, single submitter. Criteria: Invitae Variant Classification Sherloc (09022015). Collection method: clinical testing. Allele origin: germline.
Comment: In summary, the available evidence is currently insufficient to determine the role of this variant in disease. Therefore, it has been classified as a Variant of Uncertain Significance. Algorithms developed to predict the effect of missense changes on protein structure and function are either unavailable or do not agree on the potential impact of this missense change (SIFT: "Deleterious"; PolyPhen-2: "Benign"; Align-GVGD: "Class C0"). This variant has not been reported in the literature in individuals with RYR2-related conditions. This variant is not present in population databases (ExAC no frequency). This sequence change replaces serine with glycine at codon 4692 of the RYR2 protein (p.Ser4692Gly). The serine residue is highly conserved and there is a small physicochemical difference between serine and glycine.

NM_001035.3(RYR2):c.14074A>G (p.Ser4692Gly)

Gene: RYR2 (ryanodine receptor 2; plus strand). Cytogenetic location: 1q43.
Variant type: single nucleotide variant.
Coding change: c.14074A>G on transcript NM_001035.3 (MANE Select); coding-DNA position 14074, A replaced by G.
Protein change: p.Ser4692Gly; replaces serine 4692 with glycine.
Molecular consequence: missense variant.
Genome position (GRCh38, 1-based): chr1:237,798,154, A>G. VCF-style: chr1-237798154-A-G. GRCh37 (hg19) VCF-style: chr1-237961454-A-G.
Other names: short protein forms S4692G.
Identifiers: ClinVar variation 845308 (VCV000845308.11), dbSNP rs1659497202, ClinGen allele CA345420066.
Genomic context (GRCh38, chr1:237,798,154, plus strand): 5'-ATGGACAAGGCAGCTCTGGACTTCAGTGATGCCAGAGAAAAGAAGAAGCCAAAGAAAGAC[A>G]GCTCCTTATCAGCTGTGTAAGTGTTACTTCGGCTCTATCCTACAGACTTAGATTGAAAGG-3'
Protein context (NP_001026.2, residues 4682-4702): AREKKKPKKD[Ser4692Gly]SLSAVLNSID